The following is an entry in ClinVar:

ClinVar aggregate classification (germline): Uncertain significance (1 of 4 stars; one submission).

Submission:

Labcorp Genetics (formerly Invitae), Labcorp
Classification: Uncertain significance. Last evaluated: 2023-08-11. Review status: criteria provided, single submitter. Criteria: Invitae Variant Classification Sherloc (09022015). Collection method: clinical testing. Allele origin: germline.
Comment: In summary, the available evidence is currently insufficient to determine the role of this variant in disease. Therefore, it has been classified as a Variant of Uncertain Significance. Algorithms developed to predict the effect of sequence changes on RNA splicing suggest that this variant may create or strengthen a splice site. This variant has not been reported in the literature in individuals affected with HR-related conditions. The frequency data for this variant in the population databases is considered unreliable, as metrics indicate poor data quality at this position in the gnomAD database. This sequence change falls in intron 6 of the HR gene. It does not directly change the encoded amino acid sequence of the HR protein.

NM_005144.5(HR):c.1916-7C>G

Gene: HR (HR lysine demethylase and nuclear receptor corepressor; minus strand). Cytogenetic location: 8p21.3.
Variant type: single nucleotide variant.
Coding change: c.1916-7C>G on transcript NM_005144.5 (MANE Select); 7 bases into the intron before coding-DNA position 1916, C replaced by G.
Molecular consequence: intron variant.
Genome position (GRCh38, 1-based): chr8:22,122,886, G>C on the plus strand (C>G on the coding strand, the complement: HR is on the minus strand). VCF-style: chr8-22122886-G-C. GRCh37 (hg19) VCF-style: chr8-21980399-G-C.
Other names: c.1916-7C>G (NM_018411.4).
Identifiers: ClinVar variation 2914368 (VCV002914368.3), dbSNP rs1292858411, ClinGen allele CA580950527.
Genomic context (GRCh38, chr8:22,122,886, plus strand): 5'-AGGCAGCGTGCCCGGCCTCCTGCGTGCACTCCTCCGCGGACTGCTCCTGAAAGCCTGTGG[G>C]GCAGGAAGGGAAAAGCTGCAGGTCCAGAAATCAAGGTAATCACAGGTTAAGGTCAGAGAA-3'